The following is an entry in ClinVar:

ClinVar aggregate classification (germline): Uncertain significance (1 of 4 stars; one submission).

Submission:

GeneDx
Classification: Uncertain significance. Last evaluated: 2026-03-12. Review status: criteria provided, single submitter. Criteria: GeneDx Variant Classification Process June 2021. Collection method: clinical testing. Allele origin: germline.
Comment: Not observed at significant frequency in large population cohorts (gnomAD); In silico analysis supports that this missense variant has a deleterious effect on protein structure/function; Has not been previously published as pathogenic or benign to our knowledge

NM_005216.5(DDOST):c.742A>T (p.Ser248Cys)

Gene: DDOST (dolichyl-diphosphooligosaccharide--protein glycosyltransferase non-catalytic subunit; minus strand). Cytogenetic location: 1p36.12.
Variant type: single nucleotide variant.
Coding change: c.742A>T on transcript NM_005216.5 (MANE Select); coding-DNA position 742, A replaced by T.
Protein change: p.Ser248Cys; replaces serine 248 with cysteine.
Molecular consequence: missense variant.
Genome position (GRCh38, 1-based): chr1:20,654,275, T>A on the plus strand (A>T on the coding strand, the complement: DDOST is on the minus strand). VCF-style: chr1-20654275-T-A. GRCh37 (hg19) VCF-style: chr1-20980768-T-A.
Other names: short protein forms S248C.
Identifiers: ClinVar variation 5008716 (VCV005008716.1).